The following is an entry in ClinVar:

ClinVar aggregate classification (germline): Conflicting classifications of pathogenicity. Review status: criteria provided, conflicting classifications (1 of 4 stars). 2 submissions from 2 submitters: Uncertain significance (1); Likely benign (1). Last evaluated 2024-12-13.

Conditions:
Alstrom syndrome (ALMS). Identifiers: Orphanet 64, MedGen C0268425, MONDO:0008763, OMIM 203800.
Cardiovascular phenotype. Identifiers: MedGen CN230736.

Allele frequency attached by ClinVar (database versions not stated): gnomAD exomes below 0.00001; ExAC 0.00001; TOPMed 0.00002; ESP Exome Variant Server 0.00008.
gnomAD v4.1: 3 of 1,614,218 alleles (0.00019%); highest among the groups gnomAD compares: African/African-American, 0.0027%; no homozygotes.

Submissions (2):

Ambry Genetics
Classification: Likely benign for Cardiovascular phenotype. Last evaluated: 2024-12-13. Review status: criteria provided, single submitter. Criteria: Ambry Variant Classification Scheme 2023. Collection method: clinical testing. Allele origin: germline.

Labcorp Genetics (formerly Invitae), Labcorp
Classification: Uncertain significance for Alstrom syndrome. Last evaluated: 2022-04-15. Review status: criteria provided, single submitter. Criteria: Invitae Variant Classification Sherloc (09022015). Collection method: clinical testing. Allele origin: germline.
Comment: This sequence change replaces lysine, which is basic and polar, with glutamine, which is neutral and polar, at codon 2998 of the ALMS1 protein (p.Lys2998Gln). This variant is present in population databases (rs375535042, gnomAD 0.01%). This variant has not been reported in the literature in individuals affected with ALMS1-related conditions. Experimental studies and prediction algorithms are not available or were not evaluated, and the functional significance of this variant is currently unknown. In summary, the available evidence is currently insufficient to determine the role of this variant in disease. Therefore, it has been classified as a Variant of Uncertain Significance.

NM_001378454.1(ALMS1):c.8989A>C (p.Lys2997Gln)

Gene: ALMS1 (ALMS1 centrosome and basal body associated protein; plus strand). Cytogenetic location: 2p13.1.
Variant type: single nucleotide variant.
Coding change: c.8989A>C on transcript NM_001378454.1 (MANE Select); coding-DNA position 8989, A replaced by C.
Protein change: p.Lys2997Gln; replaces lysine 2997 with glutamine.
Molecular consequence: missense variant.
Genome position (GRCh38, 1-based): chr2:73,490,948, A>C. VCF-style: chr2-73490948-A-C. GRCh37 (hg19) VCF-style: chr2-73718075-A-C.
Other names: c.8992A>C, p.Lys2998Gln (NM_015120.4); short protein forms K2997Q, K2998Q.
Identifiers: ClinVar variation 2052917 (VCV002052917.3), dbSNP rs375535042, ClinGen allele CA1714577.